The following is an entry in ClinVar:

NM_001005337.3(PKP1):c.1260C>T (p.Arg420=)

Gene: PKP1 (plakophilin 1; plus strand). Cytogenetic location: 1q32.1.
Variant type: single nucleotide variant.
Coding change: c.1260C>T on transcript NM_001005337.3 (MANE Select); coding-DNA position 1260, C replaced by T.
Protein change: p.Arg420=; no amino-acid change (arginine 420 retained).
Molecular consequence: synonymous variant.
Genome position (GRCh38, 1-based): chr1:201,320,294, C>T. VCF-style: chr1-201320294-C-T. GRCh37 (hg19) VCF-style: chr1-201289422-C-T.
Other names: c.1323C>T, p.Arg441= (NM_000299.4).
Identifiers: ClinVar variation 720746 (VCV000720746.11), dbSNP rs371224887, ClinGen allele CA1324395.

ClinVar aggregate classification (germline): Benign/Likely benign. Review status: criteria provided, multiple submitters, no conflicts (2 of 4 stars). 3 submissions from 3 submitters: Benign (1); Likely benign (2). Last evaluated 2025-10-16.

Conditions:
PKP1-related disorder. Also called: PKP1-related condition.

Allele frequency attached by ClinVar (database versions not stated): gnomAD exomes 0.00004 and 0.00026; gnomAD 0.00016 and 0.00019; TOPMed 0.00020; ExAC 0.00029; 1000 Genomes Project 30x 0.00031; 1000 Genomes Project 0.00040.
gnomAD v4.1: 125 of 1,613,946 alleles (0.0077%); highest among the groups gnomAD compares: East Asian, 0.17%; 1 homozygote.

Submissions (3):

Labcorp Genetics (formerly Invitae), Labcorp
Classification: Benign. Last evaluated: 2025-10-16. Review status: criteria provided, single submitter. Criteria: Invitae Variant Classification Sherloc (09022015). Collection method: clinical testing. Allele origin: germline.

Blueprint Genetics
Classification: Likely benign. Last evaluated: 2024-10-14. Review status: criteria provided, single submitter. Criteria: ACMG Guidelines, 2015. Collection method: clinical testing. Allele origin: germline.

PreventionGenetics, part of Exact Sciences
Classification: Likely benign for PKP1-related condition. Last evaluated: 2024-10-08. Review status: criteria provided, single submitter. Criteria: ACMG Guidelines, 2015. Collection method: clinical testing. Allele origin: germline.
Comment: This variant is classified as likely benign based on ACMG/AMP sequence variant interpretation guidelines (Richards et al. 2015 PMID: 25741868, with internal and published modifications).